The following is an entry in ClinVar:

NM_005559.4(LAMA1):c.286C>T (p.Pro96Ser)

Gene: LAMA1 (laminin subunit alpha 1; minus strand). Cytogenetic location: 18p11.31.
Variant type: single nucleotide variant.
Coding change: c.286C>T on transcript NM_005559.4 (MANE Select); coding-DNA position 286, C replaced by T.
Protein change: p.Pro96Ser; replaces proline 96 with serine.
Molecular consequence: missense variant.
Genome position (GRCh38, 1-based): chr18:7,080,034, G>A on the plus strand (C>T on the coding strand, the complement: LAMA1 is on the minus strand). VCF-style: chr18-7080034-G-A. GRCh37 (hg19) VCF-style: chr18-7080033-G-A.
Other names: short protein forms P96S.
Identifiers: ClinVar variation 1902900 (VCV001902900.5), dbSNP rs779998352, ClinGen allele CA8883350.

ClinVar aggregate classification (germline): Uncertain significance (1 of 4 stars; one submission).

Allele frequency attached by ClinVar (database versions not stated): ExAC 0.00001; gnomAD exomes 0.00001; TOPMed 0.00001; gnomAD 0.00002.

Submission:

Labcorp Genetics (formerly Invitae), Labcorp
Classification: Uncertain significance. Last evaluated: 2022-03-27. Review status: criteria provided, single submitter. Criteria: Invitae Variant Classification Sherloc (09022015). Collection method: clinical testing. Allele origin: germline.
Comment: In summary, the available evidence is currently insufficient to determine the role of this variant in disease. Therefore, it has been classified as a Variant of Uncertain Significance. Algorithms developed to predict the effect of missense changes on protein structure and function (SIFT, PolyPhen-2, Align-GVGD) all suggest that this variant is likely to be disruptive. This variant has not been reported in the literature in individuals affected with LAMA1-related conditions. This variant is present in population databases (rs779998352, gnomAD 0.0009%). This sequence change replaces proline, which is neutral and non-polar, with serine, which is neutral and polar, at codon 96 of the LAMA1 protein (p.Pro96Ser).